The following is an entry in ClinVar:

ClinVar aggregate classification (germline): Uncertain significance (1 of 4 stars; one submission).

Submission:

Labcorp Genetics (formerly Invitae), Labcorp
Classification: Uncertain significance. Last evaluated: 2024-08-08. Review status: criteria provided, single submitter. Criteria: Invitae Variant Classification Sherloc (09022015). Collection method: clinical testing. Allele origin: germline.
Comment: This sequence change replaces histidine, which is basic and polar, with tyrosine, which is neutral and polar, at codon 211 of the MAGEL2 protein (p.His211Tyr). This variant is not present in population databases (gnomAD no frequency). This variant has not been reported in the literature in individuals affected with MAGEL2-related conditions. Experimental studies and prediction algorithms are not available or were not evaluated, and the functional significance of this variant is currently unknown. In summary, the available evidence is currently insufficient to determine the role of this variant in disease. Therefore, it has been classified as a Variant of Uncertain Significance.

NM_019066.5(MAGEL2):c.631C>T (p.His211Tyr)

Gene: MAGEL2 (MAGE family member L2; minus strand). Cytogenetic location: 15q11.2.
Variant type: single nucleotide variant.
Coding change: c.631C>T on transcript NM_019066.5 (MANE Select); coding-DNA position 631, C replaced by T.
Protein change: p.His211Tyr; replaces histidine 211 with tyrosine.
Molecular consequence: missense variant.
Genome position (GRCh38, 1-based): chr15:23,647,112, G>A on the plus strand (C>T on the coding strand, the complement: MAGEL2 is on the minus strand). VCF-style: chr15-23647112-G-A. GRCh37 (hg19) VCF-style: chr15-23892259-G-A.
Other names: short protein forms H211Y.
Identifiers: ClinVar variation 3647351 (VCV003647351.2).
Genomic context (GRCh38, chr15:23,647,112, plus strand): 5'-GGGCCATCGGTGTACCCGGAGGGGGAGGATGAGCCATCGGTGTCCCCGGAGGTGGAGGAT[G>A]AGCCATCGGTGTCCCCGGAGGGGGAGGATGAGCCATCGGTGTCCCCGGAGGGGGAGGATG-3'
Protein context (NP_061939.3, residues 201-221): HPPPPGTPMA[His211Tyr]PPPPGTPMAH